The following is an entry in ClinVar:

ClinVar aggregate classification (germline): Uncertain significance. Review status: criteria provided, multiple submitters, no conflicts (2 of 4 stars). 2 submissions from 2 submitters: Uncertain significance (2). Last evaluated 2024-07-03.

Conditions:
Hereditary nonpolyposis colorectal neoplasms. Identifiers: MedGen C0009405, MeSH D003123.
Hereditary cancer-predisposing syndrome. Also called: Hereditary Cancer Syndrome; Tumor predisposition; Hereditary neoplastic syndrome; Neoplastic Syndromes, Hereditary. Identifiers: Orphanet 140162, MedGen C0027672, MeSH D009386, MONDO:0015356.

Submissions (2):

Ambry Genetics
Classification: Uncertain significance for Hereditary cancer-predisposing syndrome. Last evaluated: 2024-07-03. Review status: criteria provided, single submitter. Criteria: Ambry Variant Classification Scheme 2023. Collection method: clinical testing. Allele origin: germline.
Comment: The p.F726L variant (also known as c.2178C>A), located in coding exon 4 of the MSH6 gene, results from a C to A substitution at nucleotide position 2178. The phenylalanine at codon 726 is replaced by leucine, an amino acid with highly similar properties. This amino acid position is highly conserved in available vertebrate species. In addition, this alteration is predicted to be deleterious by in silico analysis. Based on the available evidence, the clinical significance of this variant remains unclear.

Labcorp Genetics (formerly Invitae), Labcorp
Classification: Uncertain significance for Hereditary nonpolyposis colorectal neoplasms. Last evaluated: 2020-02-24. Review status: criteria provided, single submitter. Criteria: Invitae Variant Classification Sherloc (09022015). Collection method: clinical testing. Allele origin: germline.
Comment: This variant is not present in population databases (ExAC no frequency). This sequence change replaces phenylalanine with leucine at codon 726 of the MSH6 protein (p.Phe726Leu). The phenylalanine residue is highly conserved and there is a small physicochemical difference between phenylalanine and leucine. In summary, the available evidence is currently insufficient to determine the role of this variant in disease. Therefore, it has been classified as a Variant of Uncertain Significance. Algorithms developed to predict the effect of missense changes on protein structure and function are either unavailable or do not agree on the potential impact of this missense change (SIFT: "Tolerated"; PolyPhen-2: "Probably Damaging"; Align-GVGD: "Class C0"). This variant has not been reported in the literature in individuals with MSH6-related conditions.

NM_000179.3(MSH6):c.2178C>A (p.Phe726Leu)

Gene: MSH6 (mutS homolog 6; plus strand). Cytogenetic location: 2p16.3.
Variant type: single nucleotide variant.
Coding change: c.2178C>A on transcript NM_000179.3 (MANE Select); coding-DNA position 2178, C replaced by A.
Protein change: p.Phe726Leu; replaces phenylalanine 726 with leucine.
Molecular consequence: missense variant.
Genome position (GRCh38, 1-based): chr2:47,800,161, C>A. VCF-style: chr2-47800161-C-A. GRCh37 (hg19) VCF-style: chr2-48027300-C-A.
Other names: c.1788C>A, p.Phe596Leu (NM_001281492.2); c.1272C>A, p.Phe424Leu (NM_001281493.2, NM_001281494.2); c.2178C>A (NM_000179.2); short protein forms F424L, F726L, F596L.
Identifiers: ClinVar variation 1047397 (VCV001047397.11), dbSNP rs1406957215, ClinGen allele CA346751201.
Genomic context (GRCh38, chr2:47,800,161, plus strand): 5'-TGAAGAATATATTCCCTTGGATTCTGACACAGTCAGCACTACAAGATCTGGTGCTATCTT[C>A]ACCAAAGCCTATCAACGAATGGTGCTAGATGCAGTGACATTAAACAACTTGGAGATTTTT-3'
Protein context (NP_000170.1, residues 716-736): TVSTTRSGAI[Phe726Leu]TKAYQRMVLD